The following is an entry in ClinVar:

NM_006593.4(TBR1):c.343T>C (p.Ser115Pro)

Gene: TBR1 (T-box brain transcription factor 1; plus strand). Cytogenetic location: 2q24.2.
Variant type: single nucleotide variant.
Coding change: c.343T>C on transcript NM_006593.4 (MANE Select); coding-DNA position 343, T replaced by C.
Protein change: p.Ser115Pro; replaces serine 115 with proline.
Molecular consequence: missense variant.
Genome position (GRCh38, 1-based): chr2:161,416,753, T>C. VCF-style: chr2-161416753-T-C. GRCh37 (hg19) VCF-style: chr2-162273264-T-C.
Other names: short protein forms S115P.
Identifiers: ClinVar variation 2580518 (VCV002580518.1), dbSNP rs2468090461, ClinGen allele CA349211190.

ClinVar aggregate classification (germline): Uncertain significance (1 of 4 stars; one submission).

Submission:

GeneDx
Classification: Uncertain significance. Last evaluated: 2023-03-21. Review status: criteria provided, single submitter. Criteria: GeneDx Variant Classification Process June 2021. Collection method: clinical testing. Allele origin: germline. Affected: yes.
Comment: Not observed at significant frequency in large population cohorts (gnomAD); In silico analysis supports that this missense variant does not alter protein structure/function; Has not been previously published as pathogenic or benign to our knowledge